The following is an entry in ClinVar:

ClinVar aggregate classification (germline): Uncertain significance (1 of 4 stars; one submission).

Conditions:
Alstrom syndrome (ALMS). Identifiers: Orphanet 64, MedGen C0268425, MONDO:0008763, OMIM 203800.

Submission:

Labcorp Genetics (formerly Invitae), Labcorp
Classification: Uncertain significance for Alstrom syndrome. Last evaluated: 2023-11-19. Review status: criteria provided, single submitter. Criteria: Invitae Variant Classification Sherloc (09022015). Collection method: clinical testing. Allele origin: germline.
Comment: This sequence change replaces threonine, which is neutral and polar, with isoleucine, which is neutral and non-polar, at codon 1088 of the ALMS1 protein (p.Thr1088Ile). This variant is not present in population databases (gnomAD no frequency). This variant has not been reported in the literature in individuals affected with ALMS1-related conditions. Algorithms developed to predict the effect of missense changes on protein structure and function output the following: SIFT: "Not Available"; PolyPhen-2: "Not Available"; Align-GVGD: "Not Available". The isoleucine amino acid residue is found in multiple mammalian species, which suggests that this missense change does not adversely affect protein function. In summary, the available evidence is currently insufficient to determine the role of this variant in disease. Therefore, it has been classified as a Variant of Uncertain Significance.

NM_001378454.1(ALMS1):c.3260C>T (p.Thr1087Ile)

Gene: ALMS1 (ALMS1 centrosome and basal body associated protein; plus strand). Cytogenetic location: 2p13.1.
Variant type: single nucleotide variant.
Coding change: c.3260C>T on transcript NM_001378454.1 (MANE Select); coding-DNA position 3260, C replaced by T.
Protein change: p.Thr1087Ile; replaces threonine 1087 with isoleucine.
Molecular consequence: missense variant.
Genome position (GRCh38, 1-based): chr2:73,449,787, C>T. VCF-style: chr2-73449787-C-T. GRCh37 (hg19) VCF-style: chr2-73676914-C-T.
Other names: c.3263C>T, p.Thr1088Ile (NM_015120.4); short protein forms T1087I, T1088I.
Identifiers: ClinVar variation 2695340 (VCV002695340.3), dbSNP rs1369981510, ClinGen allele CA347274623.